The following is an entry in ClinVar:

ClinVar aggregate classification (germline): Benign/Likely benign. Review status: criteria provided, multiple submitters, no conflicts (2 of 4 stars). 5 submissions from 5 submitters: Benign (2); Likely benign (3). Last evaluated 2026-09-01.

Conditions:
CACNA1I-related disorder. Also called: CACNA1I-related condition.

Allele frequency attached by ClinVar (database versions not stated): gnomAD exomes 0.00066; ExAC 0.00088; ESP Exome Variant Server 0.00262; 1000 Genomes Project 0.00280; gnomAD 0.00291 and 0.00307; 1000 Genomes Project 30x 0.00312; TOPMed 0.00320.
gnomAD v4.1: 970 of 1,613,974 alleles (0.06%); highest among the groups gnomAD compares: African/African-American, 1.1%; 5 homozygotes.

Submissions (5):

CeGaT Center for Human Genetics Tuebingen
Classification: Likely benign. Last evaluated: 2026-09-01. Review status: criteria provided, single submitter. Criteria: CeGaT Center For Human Genetics Tuebingen Variant Classification Criteria Version 2. Collection method: clinical testing. Allele origin: germline. Affected: yes. Observed: 1 variant allele.
Comment: CACNA1I: BP4, BP7, BS1

PreventionGenetics, part of Exact Sciences
Classification: Likely benign for CACNA1I-related condition. Last evaluated: 2025-06-26. Review status: criteria provided, single submitter. Criteria: ACMG Guidelines, 2015. Collection method: clinical testing. Allele origin: germline.
Comment: This variant is classified as likely benign based on ACMG/AMP sequence variant interpretation guidelines (Richards et al. 2015 PMID: 25741868, with internal and published modifications).

Blueprint Genetics
Classification: Likely benign. Last evaluated: 2024-11-01. Review status: criteria provided, single submitter. Criteria: ACMG Guidelines, 2015. Collection method: clinical testing. Allele origin: germline.

Labcorp Genetics (formerly Invitae), Labcorp
Classification: Benign. Last evaluated: 2019-12-31. Review status: criteria provided, single submitter. Criteria: Invitae Variant Classification Sherloc (09022015). Collection method: clinical testing. Allele origin: germline.

Breakthrough Genomics
Classification: Benign. Review status: criteria provided, single submitter. Criteria: ACMG Guidelines, 2015. Collection method: not provided. Allele origin: germline. Inheritance: Autosomal dominant inheritance. Affected: yes.

NM_021096.4(CACNA1I):c.819C>T (p.Gly273=)

Gene: CACNA1I (calcium voltage-gated channel subunit alpha1 I; plus strand). Cytogenetic location: 22q13.1.
Variant type: single nucleotide variant.
Coding change: c.819C>T on transcript NM_021096.4 (MANE Select); coding-DNA position 819, C replaced by T.
Protein change: p.Gly273=; no amino-acid change (glycine 273 retained).
Molecular consequence: synonymous variant.
Genome position (GRCh38, 1-based): chr22:39,640,945, C>T. VCF-style: chr22-39640945-C-T. GRCh37 (hg19) VCF-style: chr22-40036950-C-T.
Other names: c.819C>T, p.Gly273= (NM_001003406.2).
Identifiers: ClinVar variation 717747 (VCV000717747.8), dbSNP rs111404878, ClinGen allele CA10243709.